The following is an entry in ClinVar:

ClinVar aggregate classification (germline): Uncertain significance (1 of 4 stars; one submission).

Conditions:
MIR17HG-related disorder. Also called: MIR17HG-related condition.

Submission:

PreventionGenetics, part of Exact Sciences
Classification: Uncertain significance for MIR17HG-related condition. Last evaluated: 2025-05-23. Review status: criteria provided, single submitter. Criteria: ACMG Guidelines, 2015. Collection method: clinical testing. Allele origin: germline.
Comment: The MIR17HG n.4674T>C is a noncoding alteration. To our knowledge, this variant has not been reported in the literature. This variant is reported in 0.0065% of alleles in individuals of European (Non-Finnish) descent in gnomAD. At this time, the clinical significance of this variant is uncertain due to the absence of conclusive functional and genetic evidence.

NR_197388.1(MIR17HG):n.4422T>C

Gene: MIR17HG (miR-17-92a-1 cluster host gene; plus strand). Cytogenetic location: 13q31.3.
Variant type: single nucleotide variant.
Molecular consequence: non-coding transcript variant (on NR_197388.1).
Genome position: GRCh38 VCF-style: chr13-91354231-T-C. GRCh37 (hg19) VCF-style: chr13-92006485-T-C.
Identifiers: ClinVar variation 4990543 (VCV004990543.1).